The following is an entry in ClinVar:

ClinVar aggregate classification (germline): Uncertain significance (1 of 4 stars; one submission).

Conditions:
Malignant hyperthermia, susceptibility to, 1 (MHS1). Also called: Anesthesia related hyperthermia; Malignant hyperpyrexia; Fulminating hyperpyrexia; Pharmacogenic myopathy; RYR1-Related Malignant Hyperthermia Susceptibility; Malignant hyperthermia suceptibility 1. Identifiers: Orphanet 423, MedGen C2930980, MONDO:0007783, OMIM 145600.

Allele frequency attached by ClinVar (database versions not stated): gnomAD exomes below 0.00001; ExAC 0.00001.
gnomAD v4.1: 1 of 1,614,092 alleles (0.000062%); highest among the groups gnomAD compares: South Asian, 0.0011%; no homozygotes.

Submission:

All of Us Research Program, National Institutes of Health
Classification: Uncertain significance for Malignant hyperthermia, susceptibility to, 1. Last evaluated: 2023-05-04. Review status: criteria provided, single submitter. Criteria: ACMG Guidelines, 2015. Collection method: clinical testing. Allele origin: germline. Inheritance: Autosomal dominant inheritance. Observed: 1 variant allele, 1 heterozygote.
Comment: This missense variant replaces leucine with valine at codon 2904 of the RYR1 protein. Computational prediction suggests that this variant may not impact protein structure and function (internally defined REVEL score threshold <= 0.5, PMID: 27666373). To our knowledge, functional studies have not been reported for this variant. This variant has not been reported in individuals affected with RYR1-related disorders in the literature. This variant has been identified in 1/251196 chromosomes in the general population by the Genome Aggregation Database (gnomAD). The available evidence is insufficient to determine the role of this variant in disease conclusively. Therefore, this variant is classified as a Variant of Uncertain Significance.

This study involves interpretation of variants in research participants for the purpose of population health screening. Participant phenotype was not available at the time of variant classification. Additional details can be found in publication PMID: 35346344, PMCID: PMC8962531

NM_000540.3(RYR1):c.8710C>G (p.Leu2904Val)

Gene: RYR1 (ryanodine receptor 1; plus strand). Cytogenetic location: 19q13.2.
Variant type: single nucleotide variant.
Coding change: c.8710C>G on transcript NM_000540.3 (MANE Select); coding-DNA position 8710, C replaced by G.
Protein change: p.Leu2904Val; replaces leucine 2904 with valine.
Molecular consequence: missense variant.
Genome position (GRCh38, 1-based): chr19:38,506,846, C>G. VCF-style: chr19-38506846-C-G. GRCh37 (hg19) VCF-style: chr19-38997486-C-G.
Other names: c.8710C>G, p.Leu2904Val (NM_001042723.2); short protein forms L2904V.
Identifiers: ClinVar variation 3070806 (VCV003070806.1), dbSNP rs771547229, ClinGen allele CA072618.